The following is an entry in ClinVar:

NM_005475.3(SH2B3):c.481G>A (p.Ala161Thr)

Gene: SH2B3 (SH2B adaptor protein 3; plus strand). Cytogenetic location: 12q24.12.
Variant type: single nucleotide variant.
Coding change: c.481G>A on transcript NM_005475.3 (MANE Select); coding-DNA position 481, G replaced by A.
Protein change: p.Ala161Thr; replaces alanine 161 with threonine.
Molecular consequence: missense variant.
Genome position (GRCh38, 1-based): chr12:111,418,626, G>A. VCF-style: chr12-111418626-G-A. GRCh37 (hg19) VCF-style: chr12-111856430-G-A.
Other names: short protein forms A161T.
Identifiers: ClinVar variation 4842813 (VCV004842813.1).
Genomic context (GRCh38, chr12:111,418,626, plus strand): 5'-AGCCTCCGCCACATCTTCCGCCGCCGCTCGGCCGGGGAGCTGCCAGCGGCCCACACCGCT[G>A]CCGCCCCCGGGACCCCCGGAGAGGCTGCTGAGACCCCCGCCCGGCCTGGCCTGGCCAAGA-3'
Protein context (NP_005466.1, residues 151-171): AGELPAAHTA[Ala161Thr]APGTPGEAAE

ClinVar aggregate classification (germline): Uncertain significance (1 of 4 stars; one submission).

Conditions:
Inborn genetic diseases. Identifiers: MedGen C0950123, MeSH D030342.

Submission:

Ambry Genetics
Classification: Uncertain significance for Inborn genetic diseases. Last evaluated: 2025-12-18. Review status: criteria provided, single submitter. Criteria: Ambry Variant Classification Scheme 2023. Collection method: clinical testing. Allele origin: germline.
Comment: The p.A161T variant (also known as c.481G>A), located in coding exon 1 of the SH2B3 gene, results from a G to A substitution at nucleotide position 481. The alanine at codon 161 is replaced by threonine, an amino acid with similar properties. This amino acid position is conserved. In addition, this alteration is predicted to be tolerated by in silico analysis. Based on the available evidence, the clinical significance of this variant remains unclear.